The following is an entry in ClinVar:

NM_001387777.1(TNS1):c.3785C>T (p.Pro1262Leu)

Gene: TNS1 (tensin 1; minus strand). Cytogenetic location: 2q35.
Variant type: single nucleotide variant.
Coding change: c.3785C>T on transcript NM_001387777.1 (MANE Select); coding-DNA position 3785, C replaced by T.
Protein change: p.Pro1262Leu; replaces proline 1262 with leucine.
Molecular consequence: missense variant.
Genome position (GRCh38, 1-based): chr2:217,818,547, G>A on the plus strand (C>T on the coding strand, the complement: TNS1 is on the minus strand). VCF-style: chr2-217818547-G-A. GRCh37 (hg19) VCF-style: chr2-218683270-G-A.
Other names: c.3434C>T, p.Pro1145Leu (NM_001308022.2); c.3410C>T, p.Pro1137Leu (NM_001308023.2); c.3473C>T, p.Pro1158Leu (NM_022648.7); short protein forms P1137L, P1145L, P1158L, P1262L.
Identifiers: ClinVar variation 3044740 (VCV003044740.2), dbSNP rs375633988, ClinGen allele CA2099789.

ClinVar aggregate classification (germline): Benign (0 of 4 stars; one submission).

Conditions:
TNS1-related disorder. Also called: TNS1-related condition.

Allele frequency attached by ClinVar (database versions not stated): ESP Exome Variant Server 0.00023; TOPMed 0.00027; gnomAD 0.00090; gnomAD exomes 0.00156; ExAC 0.00354; 1000 Genomes Project 30x 0.00437; 1000 Genomes Project 0.00499.
gnomAD v4.1: 2,410 of 1,614,190 alleles (0.15%); highest among the groups gnomAD compares: South Asian, 2.3%; 37 homozygotes.

Submission:

PreventionGenetics, part of Exact Sciences
Classification: Benign for TNS1-related condition. Last evaluated: 2019-06-07. Review status: no assertion criteria provided. Collection method: clinical testing. Allele origin: germline.
Comment: This variant is classified as benign based on ACMG/AMP sequence variant interpretation guidelines (Richards et al. 2015 PMID: 25741868, with internal and published modifications).